The following is an entry in ClinVar:

NM_001122630.2(CDKN1C):c.757A>G (p.Ile253Val)

Gene: CDKN1C (cyclin dependent kinase inhibitor 1C; minus strand). Cytogenetic location: 11p15.4.
Variant type: single nucleotide variant.
Coding change: c.757A>G on transcript NM_001122630.2 (MANE Select); coding-DNA position 757, A replaced by G.
Protein change: p.Ile253Val; replaces isoleucine 253 with valine.
Molecular consequence: missense variant. On other transcripts: intron variant (1).
Genome position (GRCh38, 1-based): chr11:2,884,700, T>C on the plus strand (A>G on the coding strand, the complement: CDKN1C is on the minus strand). VCF-style: chr11-2884700-T-C. GRCh37 (hg19) VCF-style: chr11-2905930-T-C.
Other names: c.790A>G, p.Ile264Val (NM_000076.2, NM_001362474.2); c.757A>G, p.Ile253Val (NM_001122631.2); c.255+502A>G (NM_001362475.2); short protein forms I253V, I264V.
Identifiers: ClinVar variation 5000549 (VCV005000549.1).

ClinVar aggregate classification (germline): Uncertain significance (1 of 4 stars; one submission).

Conditions:
CDKN1C-related disorder. Also called: CDKN1C-related condition.

Submission:

PreventionGenetics, part of Exact Sciences
Classification: Uncertain significance for CDKN1C-related condition. Last evaluated: 2025-01-14. Review status: criteria provided, single submitter. Criteria: ACMG Guidelines, 2015. Collection method: clinical testing. Allele origin: germline.
Comment: The CDKN1C c.790A>G variant is predicted to result in the amino acid substitution p.Ile264Val. To our knowledge, this variant has not been reported in the literature or in a large population database (gnomAD), indicating this variant is rare. At this time, the clinical significance of this variant is uncertain due to the absence of conclusive functional and genetic evidence.